The following is an entry in ClinVar:

NM_015202.5(KATNIP):c.2908G>A (p.Val970Ile)

Gene: KATNIP (katanin interacting protein; plus strand). Cytogenetic location: 16p12.1.
Variant type: single nucleotide variant.
Coding change: c.2908G>A on transcript NM_015202.5 (MANE Select); coding-DNA position 2908, G replaced by A.
Protein change: p.Val970Ile; replaces valine 970 with isoleucine.
Molecular consequence: missense variant.
Genome position (GRCh38, 1-based): chr16:27,749,868, G>A. VCF-style: chr16-27749868-G-A. GRCh37 (hg19) VCF-style: chr16-27761189-G-A.
Other names: p.Val970Ile; c.2908G>A (NM_015202.2, NM_015202.3, NM_015202.4); short protein forms V970I.
Identifiers: ClinVar variation 2086397 (VCV002086397.6), dbSNP rs374130852, ClinGen allele CA7978098.

ClinVar aggregate classification (germline): Uncertain significance. Review status: criteria provided, multiple submitters, no conflicts (2 of 4 stars). 5 submissions from 5 submitters: Uncertain significance (4). 1 of the submissions does not count toward it. Last evaluated 2025-03-04.

Allele frequency attached by ClinVar (database versions not stated): ExAC 0.00011; ESP Exome Variant Server 0.00015; gnomAD 0.00019.
gnomAD v4.1: 253 of 1,614,056 alleles (0.016%); highest among the groups gnomAD compares: Non-Finnish European, 0.018%; no homozygotes.

Submissions (5):

Mayo Clinic Laboratories, Mayo Clinic
Classification: Uncertain significance. Last evaluated: 2025-03-04. Review status: criteria provided, single submitter. Criteria: ACMG Guidelines, 2015. Collection method: clinical testing. Allele origin: germline. Observed: 1 variant allele.
Comment: BP4_moderate, PM2_supporting

Blueprint Genetics
Classification: Uncertain significance. Last evaluated: 2023-04-05. Review status: criteria provided, single submitter. Criteria: ACMG Guidelines, 2015. Collection method: clinical testing. Allele origin: germline.

Labcorp Genetics (formerly Invitae), Labcorp
Classification: Uncertain significance. Last evaluated: 2022-08-08. Review status: criteria provided, single submitter. Criteria: Invitae Variant Classification Sherloc (09022015). Collection method: clinical testing. Allele origin: germline.
Comment: This sequence change replaces valine, which is neutral and non-polar, with isoleucine, which is neutral and non-polar, at codon 970 of the KIAA0556 protein (p.Val970Ile). This variant is present in population databases (rs374130852, gnomAD 0.02%). This variant has not been reported in the literature in individuals affected with KIAA0556-related conditions. Algorithms developed to predict the effect of missense changes on protein structure and function are either unavailable or do not agree on the potential impact of this missense change (SIFT: "Tolerated"; PolyPhen-2: "Probably Damaging"; Align-GVGD: "Class C0"). In summary, the available evidence is currently insufficient to determine the role of this variant in disease. Therefore, it has been classified as a Variant of Uncertain Significance.

Ambry Genetics
Classification: Uncertain significance. Last evaluated: 2021-10-11. Review status: criteria provided, single submitter. Criteria: Ambry Variant Classification Scheme 2023. Collection method: clinical testing. Allele origin: germline.

Genetic Services Laboratory, University of Chicago
Classification: Uncertain significance. Last evaluated: 2022-06-13. Review status: no assertion criteria provided. Collection method: clinical testing. Allele origin: germline. Affected: no. Not counted in ClinVar's aggregate classification.
Comment: DNA sequence analysis of the KIAA0556 gene (also referred to as KATNIP) demonstrated a sequence change, c.2908G>A, in exon 16 that results in an amino acid change, p.Val970Ile. This sequence change does not appear to have been previously described in individuals with KIAA0556-related disorders. This sequence change has been described in the gnomAD database with a frequency of 0.023% in the South Asian subpopulation (dbSNP rs374130852). The p.Val970Ile change affects a highly conserved amino acid residue located in a domain of the KIAA0556 protein that is not known to be functional. In-silico pathogenicity prediction tools (SIFT, PolyPhen2, Align GVGD, REVEL) provide contradictory results for the p.Val970Ile substitution. This sequence change does not appear to have been previously described in individuals with KIAA0556-related disorders. Due to insufficient evidences and the lack of functional studies, the clinical significance of the p.Val970Ile change remains unknown at this time.